The following is an entry in ClinVar:

ClinVar aggregate classification (germline): Likely benign (0 of 4 stars; one submission).

Conditions:
MACF1-related disorder. Also called: MACF1-related condition.

gnomAD v4.1: 231 of 1,614,120 alleles (0.014%); highest among the groups gnomAD compares: South Asian, 0.11%; 1 homozygote.

Submission:

PreventionGenetics, part of Exact Sciences
Classification: Likely benign for MACF1-related condition. Last evaluated: 2024-08-19. Review status: no assertion criteria provided. Collection method: clinical testing. Allele origin: germline.
Comment: This variant is classified as likely benign based on ACMG/AMP sequence variant interpretation guidelines (Richards et al. 2015 PMID: 25741868, with internal and published modifications).

NM_001394062.1(MACF1):c.12000A>G (p.Gln4000=)

Genes: MACF1 (microtubule actin crosslinking factor 1; plus strand), LOC126805711 (CDK7 strongly-dependent group 2 enhancer GRCh37_chr1:39824023-39825222; plus strand). Cytogenetic location: 1p34.3.
Variant type: single nucleotide variant.
Coding change: c.12000A>G on transcript NM_001394062.1 (MANE Select); coding-DNA position 12000, A replaced by G.
Protein change: p.Gln4000=; no amino-acid change (glutamine 4000 retained).
Molecular consequence: synonymous variant.
Genome position (GRCh38, 1-based): chr1:39,358,753, A>G. VCF-style: chr1-39358753-A-G. GRCh37 (hg19) VCF-style: chr1-39824425-A-G.
Other names: c.5814A>G, p.Gln1938= (NM_012090.5).
Identifiers: ClinVar variation 3352169 (VCV003352169.1).